The following is an entry in ClinVar:

ClinVar aggregate classification (germline): Likely pathogenic (1 of 4 stars; one submission).

Conditions:
Developmental and epileptic encephalopathy 94 (DEE94). Also called: Epileptic encephalopathy, childhood-onset; CHD2-Related Neurodevelopmental Disorders. Identifiers: Orphanet 1942, Orphanet 2382, MedGen C3809278, MONDO:0014150, OMIM 615369.

Submission:

MVZ Medizinische Genetik Mainz
Classification: Likely pathogenic for Developmental and epileptic encephalopathy 94. Last evaluated: 2024-09-05. Review status: criteria provided, single submitter. Criteria: UK Practice Guidelines For Variant Classification V4 01 2020. Collection method: clinical testing. Allele origin: germline. Inheritance: Autosomal dominant inheritance. Affected: yes. Observed: 1 variant allele.
Comment: ACMG Criteria: PP3_MOD,PM1_SUP,PM2_SUP,PM5_SUP,PP2

NM_001271.4(CHD2):c.2636C>G (p.Ala879Gly)

Gene: CHD2 (chromodomain helicase DNA binding protein 2; plus strand). Cytogenetic location: 15q26.1.
Variant type: single nucleotide variant.
Coding change: c.2636C>G on transcript NM_001271.4 (MANE Select); coding-DNA position 2636, C replaced by G.
Protein change: p.Ala879Gly; replaces alanine 879 with glycine.
Molecular consequence: missense variant.
Genome position (GRCh38, 1-based): chr15:92,978,292, C>G. VCF-style: chr15-92978292-C-G. GRCh37 (hg19) VCF-style: chr15-93521522-C-G.
Other names: short protein forms A879G.
Identifiers: ClinVar variation 3342273 (VCV003342273.1).